The following is an entry in ClinVar:

ClinVar aggregate classification (germline): Uncertain significance (1 of 4 stars; one submission).

gnomAD v4.1: 4 of 1,223,110 alleles (0.00033%); highest among the groups gnomAD compares: East Asian, 0.0032%; no homozygotes.

Submission:

Labcorp Genetics (formerly Invitae), Labcorp
Classification: Uncertain significance. Last evaluated: 2025-12-23. Review status: criteria provided, single submitter. Criteria: Invitae Variant Classification Sherloc (09022015). Collection method: clinical testing. Allele origin: germline.
Comment: This sequence change replaces proline, which is neutral and non-polar, with serine, which is neutral and polar, at codon 63 of the BSN protein (p.Pro63Ser). The frequency data for this variant in the population databases is considered unreliable, as metrics indicate insufficient coverage at this position in the gnomAD database. This variant has not been reported in the literature in individuals affected with BSN-related conditions. Experimental studies and prediction algorithms are not available or were not evaluated, and the functional significance of this variant is currently unknown. In summary, the available evidence is currently insufficient to determine the role of this variant in disease. Therefore, it has been classified as a Variant of Uncertain Significance.

NM_003458.4(BSN):c.187C>T (p.Pro63Ser)

Genes: BSN (bassoon presynaptic cytomatrix protein; plus strand), LOC129936761 (ATAC-STARR-seq lymphoblastoid silent region 14369; plus strand). Cytogenetic location: 3p21.31.
Variant type: single nucleotide variant.
Coding change: c.187C>T on transcript NM_003458.4 (MANE Select); coding-DNA position 187, C replaced by T.
Protein change: p.Pro63Ser; replaces proline 63 with serine.
Molecular consequence: missense variant.
Genome position (GRCh38, 1-based): chr3:49,554,789, C>T. VCF-style: chr3-49554789-C-T. GRCh37 (hg19) VCF-style: chr3-49592222-C-T.
Other names: short protein forms P63S.
Identifiers: ClinVar variation 4732391 (VCV004732391.1).